The following is an entry in ClinVar:

NM_001367624.2(ZNF469):c.6224G>A (p.Ser2075Asn)

Gene: ZNF469 (zinc finger protein 469; plus strand). Cytogenetic location: 16q24.2.
Variant type: single nucleotide variant.
Coding change: c.6224G>A on transcript NM_001367624.2 (MANE Select); coding-DNA position 6224, G replaced by A.
Protein change: p.Ser2075Asn; replaces serine 2075 with asparagine.
Molecular consequence: missense variant.
Genome position (GRCh38, 1-based): chr16:88,433,694, G>A. VCF-style: chr16-88433694-G-A. GRCh37 (hg19) VCF-style: chr16-88500102-G-A.
Other names: NM_001127464.1:c.6140G>A; short protein forms S2075N.
Identifiers: ClinVar variation 3232837 (VCV003232837.1), dbSNP rs775748814, ClinGen allele CA286381289.

ClinVar aggregate classification (germline): Uncertain significance (1 of 4 stars; one submission).

Conditions:
Cardiovascular phenotype. Identifiers: MedGen CN230736.

Allele frequency attached by ClinVar (database versions not stated): gnomAD exomes below 0.00001.
gnomAD v4.1: 1 of 1,549,454 alleles (0.000065%); highest among the groups gnomAD compares: Non-Finnish European, 0.000087%; no homozygotes.

Submission:

Ambry Genetics
Classification: Uncertain significance for Cardiovascular phenotype. Last evaluated: 2024-02-01. Review status: criteria provided, single submitter. Criteria: Ambry Variant Classification Scheme 2023. Collection method: clinical testing. Allele origin: germline.
Comment: The p.S2047N variant (also known as c.6140G>A), located in coding exon 2 of the ZNF469 gene, results from a G to A substitution at nucleotide position 6140. The serine at codon 2047 is replaced by asparagine, an amino acid with highly similar properties. This amino acid position is conserved. In addition, this alteration is predicted to be tolerated by in silico analysis. Based on the available evidence, the clinical significance of this alteration remains unclear.